The following is an entry in ClinVar:

ClinVar aggregate classification (germline): Uncertain significance. Review status: criteria provided, multiple submitters, no conflicts (2 of 4 stars). 2 submissions from 2 submitters: Uncertain significance (2). Last evaluated 2025-03-14.

Conditions:
MYH6-related disorder. Also called: MYH6-related condition; MYH6-Related Disorders.

gnomAD v4.1: 3 of 1,607,362 alleles (0.00019%); highest among the groups gnomAD compares: African/African-American, 0.0027%; no homozygotes.

Submissions (2):

PreventionGenetics, part of Exact Sciences
Classification: Uncertain significance for MYH6-related condition. Last evaluated: 2025-03-14. Review status: criteria provided, single submitter. Criteria: ACMG Guidelines, 2015. Collection method: clinical testing. Allele origin: germline.
Comment: The MYH6 c.3404A>T variant is predicted to result in the amino acid substitution p.Glu1135Val. To our knowledge, this variant has not been reported in the literature or in a large population database (gnomAD), indicating this variant is rare. At this time, the clinical significance of this variant is uncertain due to the absence of conclusive functional and genetic evidence.

GeneDx
Classification: Uncertain significance. Last evaluated: 2025-01-21. Review status: criteria provided, single submitter. Criteria: GeneDx Variant Classification Process June 2021. Collection method: clinical testing. Allele origin: germline. Affected: yes.
Comment: Not observed at significant frequency in large population cohorts (gnomAD); In silico analysis supports that this missense variant has a deleterious effect on protein structure/function; Has not been previously published as pathogenic or benign to our knowledge

NM_002471.4(MYH6):c.3404A>T (p.Glu1135Val)

Gene: MYH6 (myosin heavy chain 6; minus strand). Cytogenetic location: 14q11.2.
Variant type: single nucleotide variant.
Coding change: c.3404A>T on transcript NM_002471.4 (MANE Select); coding-DNA position 3404, A replaced by T.
Protein change: p.Glu1135Val; replaces glutamic acid 1135 with valine.
Molecular consequence: missense variant.
Genome position (GRCh38, 1-based): chr14:23,390,385, T>A on the plus strand (A>T on the coding strand, the complement: MYH6 is on the minus strand). VCF-style: chr14-23390385-T-A. GRCh37 (hg19) VCF-style: chr14-23859594-T-A.
Other names: short protein forms E1135V.
Identifiers: ClinVar variation 4070609 (VCV004070609.2).